The following is an entry in ClinVar:

ClinVar aggregate classification (germline): Likely benign (1 of 4 stars; one submission).

Conditions:
GATA3-related disorder. Also called: GATA3-related condition.

gnomAD v4.1: 4 of 1,612,844 alleles (0.00025%); highest among the groups gnomAD compares: South Asian, 0.0033%; no homozygotes.

Submission:

PreventionGenetics, part of Exact Sciences
Classification: Likely benign for GATA3-related condition. Last evaluated: 2025-04-20. Review status: criteria provided, single submitter. Criteria: ACMG Guidelines, 2015. Collection method: clinical testing. Allele origin: germline.
Comment: This variant is classified as likely benign based on ACMG/AMP sequence variant interpretation guidelines (Richards et al. 2015 PMID: 25741868, with internal and published modifications).

NM_001002295.2(GATA3):c.639G>T (p.Ser213=)

Gene: GATA3 (GATA binding protein 3; plus strand). Cytogenetic location: 10p14.
Variant type: single nucleotide variant.
Coding change: c.639G>T on transcript NM_001002295.2 (MANE Select); coding-DNA position 639, G replaced by T.
Protein change: p.Ser213=; no amino-acid change (serine 213 retained).
Molecular consequence: synonymous variant.
Genome position (GRCh38, 1-based): chr10:8,058,702, G>T. VCF-style: chr10-8058702-G-T. GRCh37 (hg19) VCF-style: chr10-8100665-G-T.
Other names: c.639G>T, p.Ser213= (NM_001441115.1, NM_001441116.1, NM_001441117.1 and 18 more transcripts).
Identifiers: ClinVar variation 4981921 (VCV004981921.1).